The following is an entry in ClinVar:

NM_000093.5(COL5A1):c.3114+10T>C

Gene: COL5A1 (collagen type V alpha 1 chain; plus strand). Cytogenetic location: 9q34.3.
Variant type: single nucleotide variant.
Coding change: c.3114+10T>C on transcript NM_000093.5 (MANE Select); 10 bases into the intron after coding-DNA position 3114, T replaced by C.
Molecular consequence: intron variant.
Genome position (GRCh38, 1-based): chr9:134,803,005, T>C. VCF-style: chr9-134803005-T-C. GRCh37 (hg19) VCF-style: chr9-137694851-T-C.
Other names: c.3114+10T>C (NM_000093.4, NM_001278074.1).
Identifiers: ClinVar variation 389330 (VCV000389330.8), dbSNP rs1057523401, ClinGen allele CA16606358.

ClinVar aggregate classification (germline): Likely benign. Review status: criteria provided, multiple submitters, no conflicts (2 of 4 stars). 4 submissions from 4 submitters: Likely benign (4). Last evaluated 2026-03-27.

Conditions:
COL5A1-related disorder. Also called: COL5A1-related condition.
Ehlers-Danlos syndrome, classic type, 1 (EDSCL1). Also called: Ehlers-Danlos syndrome, type 1; EHLERS-DANLOS SYNDROME, GRAVIS TYPE; EHLERS-DANLOS SYNDROME, SEVERE CLASSIC TYPE; Ehlers-Danlos Syndrome, Classic Type, COL5A1-Related; EDS I. Identifiers: MedGen C0268335, MONDO:0019567, OMIM 130000.

Allele frequency attached by ClinVar (database versions not stated): gnomAD exomes 0.00002; TOPMed 0.00004.
gnomAD v4.1: 28 of 1,579,804 alleles (0.0018%); highest among the groups gnomAD compares: Non-Finnish European, 0.0024%; no homozygotes.

Submissions (4):

PreventionGenetics, part of Exact Sciences
Classification: Likely benign for COL5A1-related condition. Last evaluated: 2026-03-27. Review status: criteria provided, single submitter. Criteria: ACMG Guidelines, 2015. Collection method: clinical testing. Allele origin: germline.
Comment: This variant is classified as likely benign based on ACMG/AMP sequence variant interpretation guidelines (Richards et al. 2015 PMID: 25741868, with internal and published modifications).

Labcorp Genetics (formerly Invitae), Labcorp
Classification: Likely benign for Ehlers-Danlos syndrome, classic type, 1. Last evaluated: 2023-04-22. Review status: criteria provided, single submitter. Criteria: Invitae Variant Classification Sherloc (09022015). Collection method: clinical testing. Allele origin: germline.

Blueprint Genetics
Classification: Likely benign. Last evaluated: 2022-01-19. Review status: criteria provided, single submitter. Criteria: ACMG Guidelines, 2015. Collection method: clinical testing. Allele origin: germline.

GeneDx
Classification: Likely benign. Last evaluated: 2016-09-15. Review status: criteria provided, single submitter. Criteria: GeneDx Variant Classification (06012015). Collection method: clinical testing. Allele origin: germline. Affected: yes.
Comment: This variant is considered likely benign or benign based on one or more of the following criteria: it is a conservative change, it occurs at a poorly conserved position in the protein, it is predicted to be benign by multiple in silico algorithms, and/or has population frequency not consistent with disease.